The following is an entry in ClinVar:

ClinVar aggregate classification (germline): Benign/Likely benign. Review status: criteria provided, multiple submitters, no conflicts (2 of 4 stars). 11 submissions from 11 submitters: Benign (1); Likely benign (7). 3 of the submissions do not count toward it. Last evaluated 2026-06-01.

Conditions:
FAT4-related disorder. Also called: FAT4-related condition.
Hennekam lymphangiectasia-lymphedema syndrome 2 (HKLLS2). Identifiers: Orphanet 2136, MedGen C4014939, MONDO:0014454, OMIM 616006.
Inborn genetic diseases. Identifiers: MedGen C0950123, MeSH D030342.

Allele frequency attached by ClinVar (database versions not stated): 1000 Genomes Project 0.00140; 1000 Genomes Project 30x 0.00156; TOPMed 0.00278; gnomAD 0.00279 and 0.00288; gnomAD exomes 0.00284 and 0.00465; ESP Exome Variant Server 0.00299; ExAC 0.00303.
gnomAD v4.1: 7,182 of 1,614,096 alleles (0.44%); highest among the groups gnomAD compares: Non-Finnish European, 0.56%; 35 homozygotes.

Submissions (11):

CeGaT Center for Human Genetics Tuebingen
Classification: Likely benign. Last evaluated: 2026-06-01. Review status: criteria provided, single submitter. Criteria: CeGaT Center For Human Genetics Tuebingen Variant Classification Criteria Version 2. Collection method: clinical testing. Allele origin: germline. Affected: yes. Observed: 11 variant alleles.
Comment: FAT4: BP4, BS2

Labcorp Genetics (formerly Invitae), Labcorp
Classification: Benign. Last evaluated: 2026-02-02. Review status: criteria provided, single submitter. Criteria: Invitae Variant Classification Sherloc (09022015). Collection method: clinical testing. Allele origin: germline.

Blueprint Genetics
Classification: Likely benign. Last evaluated: 2024-11-21. Review status: criteria provided, single submitter. Criteria: ACMG Guidelines, 2015. Collection method: clinical testing. Allele origin: germline.

ARUP Laboratories, Molecular Genetics and Genomics, ARUP Laboratories
Classification: Likely benign. Last evaluated: 2023-10-03. Review status: criteria provided, single submitter. Criteria: ARUP Molecular Germline Variant Investigation Process 2024. Collection method: clinical testing. Allele origin: germline.

Ambry Genetics
Classification: Likely benign for Inborn genetic diseases. Last evaluated: 2021-10-18. Review status: criteria provided, single submitter. Criteria: Ambry Variant Classification Scheme 2023. Collection method: clinical testing. Allele origin: germline.

Genetics and Molecular Pathology, SA Pathology
Classification: Likely benign for Hennekam lymphangiectasia-lymphedema syndrome 2. Last evaluated: 2020-10-14. Review status: criteria provided, single submitter. Criteria: ACMG Guidelines, 2015. Collection method: clinical testing. Allele origin: germline. Inheritance: Autosomal recessive inheritance. Affected: yes.
Comment: The FAT4 c.4303A>G variant is classified as Likely Benign (BS2, BP4, BP6)

Genetic Services Laboratory, University of Chicago
Classification: Likely benign. Last evaluated: 2019-07-12. Review status: criteria provided, single submitter. Criteria: ACMG Guidelines, 2015. Collection method: clinical testing. Allele origin: germline. Affected: no.

GeneDx
Classification: Likely benign. Last evaluated: 2017-12-13. Review status: criteria provided, single submitter. Criteria: GeneDx Variant Classification (06012015). Collection method: clinical testing. Allele origin: germline. Affected: yes.
Comment: This variant is considered likely benign or benign based on one or more of the following criteria: it is a conservative change, it occurs at a poorly conserved position in the protein, it is predicted to be benign by multiple in silico algorithms, and/or has population frequency not consistent with disease.

PreventionGenetics, part of Exact Sciences
Classification: Likely benign for FAT4-related condition. Last evaluated: 2019-07-23. Review status: no assertion criteria provided. Collection method: clinical testing. Allele origin: germline. Not counted in ClinVar's aggregate classification.
Comment: This variant is classified as likely benign based on ACMG/AMP sequence variant interpretation guidelines (Richards et al. 2015 PMID: 25741868, with internal and published modifications).

Clinical Genetics DNA and cytogenetics Diagnostics Lab, Erasmus MC, Erasmus Medical Center
Classification: Likely benign. Review status: no assertion criteria provided. Collection method: clinical testing. Allele origin: germline. Affected: yes. Study: VKGL Data-share Consensus. Not counted in ClinVar's aggregate classification.

Laboratory of Diagnostic Genome Analysis, Leiden University Medical Center (LUMC)
Classification: Likely benign. Review status: no assertion criteria provided. Collection method: clinical testing. Allele origin: germline. Affected: yes. Study: VKGL Data-share Consensus. Not counted in ClinVar's aggregate classification.

NM_001291303.3(FAT4):c.4303A>G (p.Ile1435Val)

Gene: FAT4 (FAT atypical cadherin 4; plus strand). Cytogenetic location: 4q28.1.
Variant type: single nucleotide variant.
Coding change: c.4303A>G on transcript NM_001291303.3 (MANE Select); coding-DNA position 4303, A replaced by G.
Protein change: p.Ile1435Val; replaces isoleucine 1435 with valine.
Molecular consequence: missense variant.
Genome position (GRCh38, 1-based): chr4:125,320,714, A>G. VCF-style: chr4-125320714-A-G. GRCh37 (hg19) VCF-style: chr4-126241869-A-G.
Other names: c.4303A>G, p.Ile1435Val (NM_001291285.3, NM_024582.6); short protein forms I1435V.
Identifiers: ClinVar variation 377854 (VCV000377854.58), dbSNP rs142747281, ClinGen allele CA3072446.